The following is an entry in ClinVar:

NM_006218.4(PIK3CA):c.905T>G (p.Phe302Cys)

Gene: PIK3CA (phosphatidylinositol-4,5-bisphosphate 3-kinase catalytic subunit alpha; plus strand). Cytogenetic location: 3q26.32.
Variant type: single nucleotide variant.
Coding change: c.905T>G on transcript NM_006218.4 (MANE Select); coding-DNA position 905, T replaced by G.
Protein change: p.Phe302Cys; replaces phenylalanine 302 with cysteine.
Molecular consequence: missense variant.
Genome position (GRCh38, 1-based): chr3:179,203,635, T>G. VCF-style: chr3-179203635-T-G. GRCh37 (hg19) VCF-style: chr3-178921423-T-G.
Other names: short protein forms F302C.
Identifiers: ClinVar variation 4861876 (VCV004861876.1).
Genomic context (GRCh38, chr3:179,203,635, plus strand): 5'-TGCCCAATTTGATGTTGATGGCTAAAGAAAGCCTTTATTCTCAACTGCCAATGGACTGTT[T>G]TACAATGCCATCTTATTCCAGACGCATTTCCACAGCTACACCATATATGAATGGAGAAAC-3'
Protein context (NP_006209.2, residues 292-312): SLYSQLPMDC[Phe302Cys]TMPSYSRRIS

ClinVar aggregate classification (germline): Uncertain significance (1 of 4 stars; one submission).

Conditions:
Inborn genetic diseases. Identifiers: MedGen C0950123, MeSH D030342.

Submission:

Ambry Genetics
Classification: Uncertain significance for Inborn genetic diseases. Last evaluated: 2026-05-14. Review status: criteria provided, single submitter. Criteria: Ambry Variant Classification Scheme 2023. Collection method: clinical testing. Allele origin: germline.
Comment: The p.F302C variant (also known as c.905T>G), located in coding exon 4 of the PIK3CA gene, results from a T to G substitution at nucleotide position 905. The phenylalanine at codon 302 is replaced by cysteine, an amino acid with highly dissimilar properties. This amino acid position is conserved. In addition, this alteration is predicted to be deleterious by in silico analysis. Based on the available evidence, the clinical significance of this variant remains unclear.